The following is an entry in ClinVar:

ClinVar aggregate classification (germline): Conflicting classifications of pathogenicity. Review status: criteria provided, conflicting classifications (1 of 4 stars). 5 submissions from 5 submitters: Uncertain significance (4); Benign (1). Last evaluated 2025-03-20.

Conditions:
Dilated cardiomyopathy 1AA (CMD1AA). Also called: CARDIOMYOPATHY, FAMILIAL HYPERTROPHIC, 23, WITH OR WITHOUT LEFT VENTRICULAR NONCOMPACTION; Cardiomyopathy, dilated, 1AA, with or without LVNC; CARDIOMYOPATHY, DILATED, 1AA, WITH OR WITHOUT LEFT VENTRICULAR NONCOMPACTION. Identifiers: Orphanet 154, MedGen C2677338, MONDO:0012808, OMIM 612158.
Myopathy, congenital, with structured cores and z-line abnormalities. Also called: MULTIPLE STRUCTURED CORE DISEASE; CONGENITAL MYOPATHY 8. Identifiers: MedGen C5231445, MONDO:0032852, OMIM 618654.
Myopathy, distal, 6, adult-onset, autosomal dominant. Identifiers: MedGen C5203349, MONDO:0032853, OMIM 618655.
Primary familial hypertrophic cardiomyopathy (HCM). Identifiers: Orphanet 99739, MedGen C0949658, MeSH D024741, MONDO:0024573. Inheritance: Various modes of inheritance.
Cardiovascular phenotype. Identifiers: MedGen CN230736.

Allele frequency attached by ClinVar (database versions not stated): ExAC 0.00002; TOPMed 0.00002; gnomAD 0.00003 and 0.00004; 1000 Genomes Project 30x 0.00016; 1000 Genomes Project 0.00020.
gnomAD v4.1: 24 of 1,614,120 alleles (0.0015%); highest among the groups gnomAD compares: Middle Eastern, 0.033%; no homozygotes.

Submissions (5):

Labcorp Genetics (formerly Invitae), Labcorp
Classification: Benign for Primary familial hypertrophic cardiomyopathy; Dilated cardiomyopathy 1AA. Last evaluated: 2025-03-20. Review status: criteria provided, single submitter. Criteria: Invitae Variant Classification Sherloc (09022015). Collection method: clinical testing. Allele origin: germline.

Ambry Genetics
Classification: Uncertain significance for Cardiovascular phenotype. Last evaluated: 2024-08-21. Review status: criteria provided, single submitter. Criteria: Ambry Variant Classification Scheme 2023. Collection method: clinical testing. Allele origin: germline.

Mayo Clinic Laboratories, Mayo Clinic
Classification: Uncertain significance. Last evaluated: 2022-09-15. Review status: criteria provided, single submitter. Criteria: ACMG Guidelines, 2015. Collection method: clinical testing. Allele origin: germline. Observed: 1 variant allele.
Comment: BP4

Fulgent Genetics
Classification: Uncertain significance for Dilated cardiomyopathy 1AA; Myopathy, congenital, with structured cores and z-line abnormalities; Myopathy, distal, 6, adult-onset, autosomal dominant. Last evaluated: 2021-09-14. Review status: criteria provided, single submitter. Criteria: ACMG Guidelines, 2015. Collection method: clinical testing. Allele origin: unknown.

GeneDx
Classification: Uncertain significance. Last evaluated: 2018-09-17. Review status: criteria provided, single submitter. Criteria: GeneDx Variant Classification Process June 2021. Collection method: clinical testing. Allele origin: germline. Affected: yes.
Comment: Not observed at a significant frequency in large population cohorts (Lek et al., 2016; McVean et al., 2012; Exome Variant Server); In silico analysis, which includes protein predictors and evolutionary conservation, supports that this variant does not alter protein structure/function; Has not been previously published as pathogenic or benign to our knowledge

NM_001103.4(ACTN2):c.2069A>G (p.Asn690Ser)

Gene: ACTN2 (actinin alpha 2; plus strand). Cytogenetic location: 1q43.
Variant type: single nucleotide variant.
Coding change: c.2069A>G on transcript NM_001103.4 (MANE Select); coding-DNA position 2069, A replaced by G.
Protein change: p.Asn690Ser; replaces asparagine 690 with serine.
Molecular consequence: missense variant.
Genome position (GRCh38, 1-based): chr1:236,755,113, A>G. VCF-style: chr1-236755113-A-G. GRCh37 (hg19) VCF-style: chr1-236918413-A-G.
Other names: p.Asn690Ser; c.2069A>G (NM_001103.3); c.2069A>G, p.Asn690Ser (NM_001278343.2); c.1445A>G, p.Asn482Ser (NM_001278344.2); short protein forms N482S, N690S.
Identifiers: ClinVar variation 1220240 (VCV001220240.16), dbSNP rs552938924, ClinGen allele CA1473337.